The following is an entry in ClinVar:

ClinVar aggregate classification (germline): Uncertain significance (1 of 4 stars; one submission).

Allele frequency attached by ClinVar (database versions not stated): gnomAD exomes below 0.00001 and 0.00001; TOPMed below 0.00001; gnomAD 0.00001; ExAC 0.00002.
gnomAD v4.1: 4 of 1,613,932 alleles (0.00025%); highest among the groups gnomAD compares: East Asian, 0.0045%; no homozygotes.

Submission:

Labcorp Genetics (formerly Invitae), Labcorp
Classification: Uncertain significance. Last evaluated: 2021-11-04. Review status: criteria provided, single submitter. Criteria: Invitae Variant Classification Sherloc (09022015). Collection method: clinical testing. Allele origin: germline.
Comment: In summary, the available evidence is currently insufficient to determine the role of this variant in disease. Therefore, it has been classified as a Variant of Uncertain Significance. Algorithms developed to predict the effect of missense changes on protein structure and function are either unavailable or do not agree on the potential impact of this missense change (SIFT: "Not Available"; PolyPhen-2: "Possibly Damaging"; Align-GVGD: "Not Available"). This variant has not been reported in the literature in individuals affected with CDH3-related conditions. This variant is present in population databases (rs121434543, gnomAD 0.01%). This sequence change replaces asparagine, which is neutral and polar, with serine, which is neutral and polar, at codon 322 of the CDH3 protein (p.Asn322Ser).

NM_001793.6(CDH3):c.965A>G (p.Asn322Ser)

Gene: CDH3 (cadherin 3; plus strand). Cytogenetic location: 16q22.1.
Variant type: single nucleotide variant.
Coding change: c.965A>G on transcript NM_001793.6 (MANE Select); coding-DNA position 965, A replaced by G.
Protein change: p.Asn322Ser; replaces asparagine 322 with serine.
Molecular consequence: missense variant.
Genome position (GRCh38, 1-based): chr16:68,681,065, A>G. VCF-style: chr16-68681065-A-G. GRCh37 (hg19) VCF-style: chr16-68714968-A-G.
Other names: c.965A>G, p.Asn322Ser (NM_001317195.3); c.800A>G, p.Asn267Ser (NM_001317196.2); short protein forms N322S, N267S.
Identifiers: ClinVar variation 1368625 (VCV001368625.4), dbSNP rs121434543, ClinGen allele CA8129200.